The following is an entry in ClinVar:

ClinVar aggregate classification (germline): Likely pathogenic. Review status: criteria provided, multiple submitters, no conflicts (2 of 4 stars). 2 submissions from 2 submitters: Likely pathogenic (2). Last evaluated 2025-05-28.

Conditions:
Medium-chain acyl-coenzyme A dehydrogenase deficiency (ACADMD). Also called: CARNITINE DEFICIENCY SECONDARY TO MEDIUM-CHAIN ACYL-CoA DEHYDROGENASE DEFICIENCY; MCADH DEFICIENCY; MCAD Deficiency; ACADM DEFICIENCY; Medium chain acyl-CoA dehydrogenase deficiency; MCADD. Identifiers: Orphanet 42, MedGen C0220710, MONDO:0008721, OMIM 201450.

gnomAD v4.1: 2 of 1,610,636 alleles (0.00012%); highest among the groups gnomAD compares: Non-Finnish European, 0.00017%; no homozygotes.

Submissions (2):

Labcorp Genetics (formerly Invitae), Labcorp
Classification: Likely pathogenic for Medium-chain acyl-coenzyme A dehydrogenase deficiency. Last evaluated: 2025-05-28. Review status: criteria provided, single submitter. Criteria: Invitae Variant Classification Sherloc (09022015). Collection method: clinical testing. Allele origin: germline.
Comment: This sequence change affects an acceptor splice site in intron 1 of the ACADM gene. It is expected to disrupt RNA splicing. Variants that disrupt the donor or acceptor splice site typically lead to a loss of protein function (PMID: 16199547), and loss-of-function variants in ACADM are known to be pathogenic (PMID: 16121256, 20434380). This variant is present in population databases (no rsID available, gnomAD 0.007%). Disruption of this splice site has been observed in individual(s) with clinical features of ACADM-related conditions (PMID: 32793418). Algorithms developed to predict the effect of sequence changes on RNA splicing suggest that this variant may disrupt the consensus splice site. In summary, the currently available evidence indicates that the variant is pathogenic, but additional data are needed to prove that conclusively. Therefore, this variant has been classified as Likely Pathogenic.

Natera, Inc.
Classification: Likely pathogenic for Medium Chain Acyl-CoA Dehydrogenase Deficiency. Last evaluated: 2024-10-20. Review status: criteria provided, single submitter. Criteria: Natera Variant Classification Schema (03/2026). Collection method: clinical testing. Allele origin: germline.
Comment: The c.31-1G>A variant in ACADM is a canonical splice acceptor site variant predicted to affect pre-mRNA splicing, which may result in an abnormal transcript and altered protein product. This variant is expected to result in nonsense mediated decay, truncation, or a dysfunctional protein product. This variant is rare in the general population with a frequency below the threshold expected for the associated phenotype(s). Given the available evidence, this variant is classified as Likely Pathogenic.

Literature cited by the submitters: PubMed 16199547 (cited by Labcorp Genetics (formerly Invitae), Labcorp); PubMed 16121256 (cited by Labcorp Genetics (formerly Invitae), Labcorp); PubMed 20434380 (cited by Labcorp Genetics (formerly Invitae), Labcorp); PubMed 32793418 (cited by Labcorp Genetics (formerly Invitae), Labcorp).

NM_000016.6(ACADM):c.31-1G>A

Gene: ACADM (acyl-CoA dehydrogenase medium chain; plus strand). Cytogenetic location: 1p31.1.
Variant type: single nucleotide variant.
Coding change: c.31-1G>A on transcript NM_000016.6 (MANE Select); the canonical splice acceptor site of the intron before coding-DNA position 31, G replaced by A.
Molecular consequence: splice acceptor variant. On other transcripts: synonymous variant (1), intron variant (2).
Genome position (GRCh38, 1-based): chr1:75,728,400, G>A. VCF-style: chr1-75728400-G-A. GRCh37 (hg19) VCF-style: chr1-76194085-G-A.
Other names: c.31-1G>A (NM_000016.5, NM_001286043.2); c.42G>A, p.Gln14= (NM_001127328.3); c.10+3583G>A (NM_001286042.2); c.-268+3583G>A (NM_001286044.2).
Identifiers: ClinVar variation 4697911 (VCV004697911.2).